The following is an entry in ClinVar:

ClinVar aggregate classification (germline): Uncertain significance (1 of 4 stars; one submission).

Submission:

Labcorp Genetics (formerly Invitae), Labcorp
Classification: Uncertain significance. Last evaluated: 2025-10-13. Review status: criteria provided, single submitter. Criteria: Invitae Variant Classification Sherloc (09022015). Collection method: clinical testing. Allele origin: germline.
Comment: This sequence change creates a premature translational stop signal (p.Gln172Profs*6) in the SRP72 gene. It is expected to result in an absent or disrupted protein product. However, the current clinical and genetic evidence is not sufficient to establish whether loss-of-function variants in SRP72 cause disease. This variant is not present in population databases (gnomAD no frequency). This variant has not been reported in the literature in individuals affected with SRP72-related conditions. ClinVar contains an entry for this variant (Variation ID: 2042576). In summary, the available evidence is currently insufficient to determine the role of this variant in disease. Therefore, it has been classified as a Variant of Uncertain Significance.

NM_006947.4(SRP72):c.514dup (p.Gln172fs)

Gene: SRP72 (signal recognition particle 72; plus strand). Cytogenetic location: 4q12.
Variant type: Duplication.
Coding change: c.514dup on transcript NM_006947.4 (MANE Select); coding-DNA position 514, one base duplicated (C; older notation c.514dupC).
Protein change: p.Gln172fs; shifts the reading frame from glutamine 172.
Molecular consequence: frameshift variant. On other transcripts: non-coding transcript variant (1).
Genome position (GRCh38, 1-based): chr4:56,474,295, C duplicated; the last of 2 consecutive C bases (chr4:56,474,294-56,474,295); duplicating either gives the same sequence. VCF-style (leftmost placement, unchanged base first): chr4-56474293-T-TC. GRCh37 (hg19) VCF-style: chr4-57340459-T-TC.
Other names: c.514dup, p.Gln172fs (NM_001267722.2); short protein forms Q172fs.
Identifiers: ClinVar variation 2042576 (VCV002042576.2), dbSNP rs2545749660, ClinGen allele CA2580071218.
Genomic context (GRCh38, chr4:56,474,293, plus strand): 5'-ATTATTATTCATATTTAGTATTTAACTGGTATTTTGTCCCCTGACAGGAGAACCTGGGCC[T>TC]CCAAGAAGGCACACATGAGCTGTGCTACAACACTGCATGTGCACTGATAGGCCAAGGCCA-3'